The following is an entry in ClinVar:

ClinVar aggregate classification (germline): Pathogenic/Likely pathogenic. Review status: criteria provided, multiple submitters, no conflicts (2 of 4 stars). 3 submissions from 3 submitters: Pathogenic (1); Likely pathogenic (1). 1 of the submissions does not count toward it. Last evaluated 2024-03-14.

Conditions:
TSHR-related disorder. Also called: TSHR-related disorders; TSHR-related condition.
Familial hyperthyroidism due to mutations in TSH receptor. Also called: TOXIC THYROID HYPERPLASIA, AUTOSOMAL DOMINANT; HYPERTHYROIDISM, CONGENITAL NONAUTOIMMUNE; HYPERTHYROIDISM, NONAUTOIMMUNE, AUTOSOMAL DOMINANT. Identifiers: Orphanet 424, MedGen C1836706, MONDO:0012203, OMIM 609152.

Submissions (3):

GeneDx
Classification: Likely pathogenic. Last evaluated: 2024-03-14. Review status: criteria provided, single submitter. Criteria: GeneDx Variant Classification Process June 2021. Collection method: clinical testing. Allele origin: germline.
Comment: Published functional studies demonstrate a gain-of-function effect: constitutively activated cAMP cascade (PMID: 9360555); Not observed at significant frequency in large population cohorts (gnomAD); In silico analysis supports that this missense variant does not alter protein structure/function; This variant is associated with the following publications: (PMID: 11012571, 16513835, 10482366, 19636218, 15163335, 9360555)

Blueprint Genetics
Classification: Pathogenic for TSHR-related disorders. Last evaluated: 2021-03-23. Review status: criteria provided, single submitter. Criteria: ACMG Guidelines, 2015. Collection method: clinical testing. Allele origin: germline. Affected: yes. Observed: 1 variant allele.

OMIM
Classification: Pathogenic for HYPERTHYROIDISM, NONAUTOIMMUNE. Last evaluated: 1997-11-01. Review status: no assertion criteria provided. Collection method: literature only. Allele origin: germline. Not counted in ClinVar's aggregate classification.

Literature cited by the submitters: PubMed 9360555 (cited by OMIM).

NM_000369.5(TSHR):c.1514G>A (p.Ser505Asn)

Genes: TSHR (thyroid stimulating hormone receptor; plus strand), TSHR-AS1 (TSHR antisense RNA 1; minus strand). Cytogenetic location: 14q31.1.
Variant type: single nucleotide variant.
Coding change: c.1514G>A on transcript NM_000369.5 (MANE Select); coding-DNA position 1514, G replaced by A.
Protein change: p.Ser505Asn; replaces serine 505 with asparagine.
Molecular consequence: missense variant.
Genome position (GRCh38, 1-based): chr14:81,143,572, G>A. VCF-style: chr14-81143572-G-A. GRCh37 (hg19) VCF-style: chr14-81609916-G-A.
Other names: short protein forms S505N.
Identifiers: ClinVar variation 6450 (VCV000006450.4), dbSNP rs121908876, ClinGen allele CA118248.